The following is an entry in ClinVar:

NM_001375808.2(LPIN2):c.1793+259C>T

Gene: LPIN2 (lipin 2; minus strand). Cytogenetic location: 18p11.31.
Variant type: single nucleotide variant.
Coding change: c.1793+259C>T on transcript NM_001375808.2 (MANE Select); 259 bases into the intron after coding-DNA position 1793, C replaced by T.
Molecular consequence: intron variant.
Genome position (GRCh38, 1-based): chr18:2,926,464, G>A on the plus strand (C>T on the coding strand, the complement: LPIN2 is on the minus strand). VCF-style: chr18-2926464-G-A. GRCh37 (hg19) VCF-style: chr18-2926462-G-A.
Other names: c.1793+259C>T (NM_014646.2, NM_001375809.1).
Identifiers: ClinVar variation 667686 (VCV000667686.1), dbSNP rs8091774, ClinGen allele CA14543799.
Genomic context (GRCh38, chr18:2,926,464, plus strand): 5'-GTATGTCTCCCTTTGGCTCCGGATGGGATGCAGGGGGAGCAGAGGCACCTGGGCCAACAT[G>A]GCTGAAGCGTTCCTCACGGCCCCTTCCCATACGCTGGCGCCACGGCTCCACAAGGAGGCA-3'

ClinVar aggregate classification (germline): Benign (1 of 4 stars; one submission).

Allele frequency attached by ClinVar (database versions not stated): gnomAD 0.38611 and 0.38808; TOPMed 0.40141; 1000 Genomes Project 30x 0.48891; 1000 Genomes Project 0.49062.

Submission:

GeneDx
Classification: Benign. Last evaluated: 2018-06-14. Review status: criteria provided, single submitter. Criteria: GeneDx Variant Classification (06012015). Collection method: clinical testing. Allele origin: germline. Affected: yes.
Comment: This variant is considered likely benign or benign based on one or more of the following criteria: it is a conservative change, it occurs at a poorly conserved position in the protein, it is predicted to be benign by multiple in silico algorithms, and/or has population frequency not consistent with disease.